The following is an entry in ClinVar:

NM_002458.3(MUC5B):c.1535C>T (p.Ser512Leu)

Gene: MUC5B (mucin 5B, oligomeric mucus/gel-forming; plus strand). Cytogenetic location: 11p15.5.
Variant type: single nucleotide variant.
Coding change: c.1535C>T on transcript NM_002458.3 (MANE Select); coding-DNA position 1535, C replaced by T.
Protein change: p.Ser512Leu; replaces serine 512 with leucine.
Molecular consequence: missense variant.
Genome position (GRCh38, 1-based): chr11:1,231,000, C>T. VCF-style: chr11-1231000-C-T. GRCh37 (hg19) VCF-style: chr11-1252230-C-T.
Other names: short protein forms S512L.
Identifiers: ClinVar variation 3149375 (VCV003149375.2), dbSNP rs761732321, ClinGen allele CA5804318.
Genomic context (GRCh38, chr11:1,231,000, plus strand): 5'-TCCGGGTCCAAGCGGACGGCGGCGTGTTCCTCAACTCCATCTACACGCAGCTGCCCCTGT[C>T]GGCAGGTATGTGGCTCTCCCAGGACGGCCGGGCTGGGTGGCGCCTGCTTGCAGGGGCAGC-3'
Protein context (NP_002449.2, residues 502-522): LNSIYTQLPL[Ser512Leu]AANITLFTPS

ClinVar aggregate classification (germline): Uncertain significance (1 of 4 stars; one submission).

Allele frequency attached by ClinVar (database versions not stated): ExAC 0.00007.
gnomAD v4.1: 17 of 1,592,420 alleles (0.0011%); highest among the groups gnomAD compares: Admixed American, 0.012%; no homozygotes.

Submission:

Ambry Genetics
Classification: Uncertain significance. Last evaluated: 2026-08-05. Review status: criteria provided, single submitter. Criteria: Ambry Variant Classification Scheme 2023. Collection method: clinical testing. Allele origin: germline.
Comment: The c.1535C>T (p.S512L) alteration is located in exon 13 (coding exon 13) of the MUC5B gene. This alteration results from a C to T substitution at nucleotide position 1535, causing the serine (S) at amino acid position 512 to be replaced by a leucine (L). Based on data from gnomAD, the T allele has an overall frequency of 0.005% (10/210094) total alleles studied. The highest observed frequency was 0.022% (7/31420) of Latino alleles. Based on insufficient or conflicting evidence, the clinical significance of this alteration remains unclear.